The following is an entry in ClinVar:

NM_000102.4(CYP17A1):c.1487G>A (p.Arg496His)

Gene: CYP17A1 (cytochrome P450 family 17 subfamily A member 1; minus strand). Cytogenetic location: 10q24.32.
Variant type: single nucleotide variant.
Coding change: c.1487G>A on transcript NM_000102.4 (MANE Select); coding-DNA position 1487, G replaced by A.
Protein change: p.Arg496His; replaces arginine 496 with histidine.
Molecular consequence: missense variant.
Genome position (GRCh38, 1-based): chr10:102,830,742, C>T on the plus strand (G>A on the coding strand, the complement: CYP17A1 is on the minus strand). VCF-style: chr10-102830742-C-T. GRCh37 (hg19) VCF-style: chr10-104590499-C-T.
Other names: c.1487G>A (NM_000102.3); short protein forms R496H.
Identifiers: ClinVar variation 2681111 (VCV002681111.5), dbSNP rs763398879, ClinGen allele CA5669311.

ClinVar aggregate classification (germline): Pathogenic/Likely pathogenic. Review status: criteria provided, multiple submitters, no conflicts (2 of 4 stars). 3 submissions from 3 submitters: Pathogenic (1); Likely pathogenic (2). Last evaluated 2025-10-31.

Conditions:
Deficiency of steroid 17-alpha-monooxygenase. Also called: 17-alpha-hydroxylase/17,20-lyase deficiency; ADRENAL HYPERPLASIA V; 17-ALPHA-HYDROXYLASE DEFICIENCY; Congenital adrenal hyperplasia due to 17-alpha-hydroxylase deficiency; Congenital adrenal hyperplasia type 5. Identifiers: Orphanet 90793, MedGen C0268285, MONDO:0008730, OMIM 202110.

Allele frequency attached by ClinVar (database versions not stated): ExAC 0.00001; gnomAD 0.00001; TOPMed 0.00001.

Submissions (3):

Natera, Inc.
Classification: Likely pathogenic for Deficiency of steroid 17-alpha-monooxygenase. Last evaluated: 2025-10-31. Review status: criteria provided, single submitter. Criteria: Natera Variant Classification Schema (03/2026). Collection method: clinical testing. Allele origin: germline.
Comment: The c.1487G>A variant in CYP17A1 is a missense variant predicted to cause substitution of arginine to histidine at amino acid 496. This variant is rare in the general population with a frequency below the threshold expected for the associated phenotype(s). This variant has been observed in one or more individuals affected with the associated recessive disease, as either homozygous or compound heterozygous with a second variant (PMID: 33780934, 10720067). This variant has been identified in one or more affected individual with a phenotype highly consistent with the associated gene (PMID: 10720067, 33780934). Functional studies show that this variant may disrupt protein function (PMID: 10720067). Computational prediction algorithms indicate this variant is likely to affect gene or protein function. Given the available evidence, this variant is classified as Likely Pathogenic.

Labcorp Genetics (formerly Invitae), Labcorp
Classification: Pathogenic. Last evaluated: 2024-10-08. Review status: criteria provided, single submitter. Criteria: Invitae Variant Classification Sherloc (09022015). Collection method: clinical testing. Allele origin: germline.
Comment: This sequence change replaces arginine, which is basic and polar, with histidine, which is basic and polar, at codon 496 of the CYP17A1 protein (p.Arg496His). The frequency data for this variant in the population databases is considered unreliable, as metrics indicate poor data quality at this position in the gnomAD database. This missense change has been observed in individual(s) with congenital adrenal hyperplasia (PMID: 10720067, 33780934). Invitae Evidence Modeling of protein sequence and biophysical properties (such as structural, functional, and spatial information, amino acid conservation, physicochemical variation, residue mobility, and thermodynamic stability) indicates that this missense variant is expected to disrupt CYP17A1 protein function with a positive predictive value of 95%. Experimental studies have shown that this missense change affects CYP17A1 function (PMID: 10720067). This variant disrupts the p.Arg496 amino acid residue in CYP17A1. Other variant(s) that disrupt this residue have been determined to be pathogenic (PMID: 1515452, 9888582). This suggests that this residue is clinically significant, and that variants that disrupt this residue are likely to be disease-causing. For these reasons, this variant has been classified as Pathogenic.

Baylor Genetics
Classification: Likely pathogenic for Deficiency of steroid 17-alpha-monooxygenase. Last evaluated: 2023-03-09. Review status: criteria provided, single submitter. Criteria: ACMG Guidelines, 2015. Collection method: clinical testing. Allele origin: unknown.

Literature cited by the submitters: PubMed 33780934 (cited by Natera, Inc. and Labcorp Genetics (formerly Invitae), Labcorp); PubMed 10720067 (cited by Natera, Inc. and Labcorp Genetics (formerly Invitae), Labcorp); PubMed 1515452 (cited by Labcorp Genetics (formerly Invitae), Labcorp); PubMed 9888582 (cited by Labcorp Genetics (formerly Invitae), Labcorp).